The following is an entry in ClinVar:

ClinVar aggregate classification (germline): Uncertain significance (1 of 4 stars; one submission).

Submission:

GeneDx
Classification: Uncertain significance. Last evaluated: 2020-01-06. Review status: criteria provided, single submitter. Criteria: GeneDx Variant Classification Process June 2021. Collection method: clinical testing. Allele origin: germline. Affected: yes.
Comment: Not observed in large population cohorts (Lek et al., 2016); In silico analysis, which includes protein predictors and evolutionary conservation, supports a deleterious effect; Has not been previously published as pathogenic or benign to our knowledge

NM_002764.4(PRPS1):c.205G>A (p.Glu69Lys)

Gene: PRPS1 (phosphoribosyl pyrophosphate synthetase 1; plus strand). Cytogenetic location: Xq22.3.
Variant type: single nucleotide variant.
Coding change: c.205G>A on transcript NM_002764.4 (MANE Select); coding-DNA position 205, G replaced by A.
Protein change: p.Glu69Lys; replaces glutamic acid 69 with lysine.
Molecular consequence: missense variant. On other transcripts: intron variant (1).
Genome position (GRCh38, 1-based): chrX:107,639,377, G>A. VCF-style: chrX-107639377-G-A. GRCh37 (hg19) VCF-style: chrX-106882607-G-A.
Other names: c.-82-5800G>A (NM_001204402.2); short protein forms E69K.
Identifiers: ClinVar variation 1311763 (VCV001311763.2), dbSNP rs2147681453, ClinGen allele CA413804948.